The following is an entry in ClinVar:

NM_033004.4(NLRP1):c.1599G>T (p.Gln533His)

Gene: NLRP1 (NLR family pyrin domain containing 1; minus strand). Cytogenetic location: 17p13.2.
Variant type: single nucleotide variant.
Coding change: c.1599G>T on transcript NM_033004.4 (MANE Select); coding-DNA position 1599, G replaced by T.
Protein change: p.Gln533His; replaces glutamine 533 with histidine.
Molecular consequence: missense variant.
Genome position (GRCh38, 1-based): chr17:5,559,097, C>A on the plus strand (G>T on the coding strand, the complement: NLRP1 is on the minus strand). VCF-style: chr17-5559097-C-A. GRCh37 (hg19) VCF-style: chr17-5462417-C-A.
Other names: p.Gln533His; c.1599G>T, p.Gln533His (NM_001033053.3, NM_014922.5, NM_033006.4 and 1 more transcripts); short protein forms Q533H.
Identifiers: ClinVar variation 624089 (VCV000624089.60), dbSNP rs112191372, ClinGen allele CA8327353.

ClinVar aggregate classification (germline): Likely benign. Review status: criteria provided, multiple submitters, no conflicts (2 of 4 stars). 10 submissions from 10 submitters: Likely benign (7). 3 of the submissions do not count toward it. Last evaluated 2026-07-01.

Conditions:
NLRP1-related disorder. Also called: NLRP1-related condition.

Allele frequency attached by ClinVar (database versions not stated): 1000 Genomes Project 0.00220; 1000 Genomes Project 30x 0.00281; gnomAD exomes 0.00415 and 0.00567; ExAC 0.00427; gnomAD 0.00449 and 0.00455; TOPMed 0.00485; ESP Exome Variant Server 0.00561.
gnomAD v4.1: 9,081 of 1,614,194 alleles (0.56%); highest among the groups gnomAD compares: Middle Eastern, 0.69%; 37 homozygotes.

Submissions (10):

CeGaT Center for Human Genetics Tuebingen
Classification: Likely benign. Last evaluated: 2026-07-01. Review status: criteria provided, single submitter. Criteria: CeGaT Center For Human Genetics Tuebingen Variant Classification Criteria Version 2. Collection method: clinical testing. Allele origin: germline. Affected: yes. Observed: 21 variant alleles.
Comment: NLRP1: BP4, BS2

Labcorp Genetics (formerly Invitae), Labcorp
Classification: Likely benign. Last evaluated: 2026-02-01. Review status: criteria provided, single submitter. Criteria: Invitae Variant Classification Sherloc (09022015). Collection method: clinical testing. Allele origin: germline.

Women's Health and Genetics/Laboratory Corporation of America, LabCorp
Classification: Likely benign. Last evaluated: 2026-01-28. Review status: criteria provided, single submitter. Criteria: LabCorp Variant Classification Summary - May 2015. Collection method: clinical testing. Allele origin: germline.
Comment: Variant summary: NLRP1 c.1599G>T (p.Gln533His) results in a non-conservative amino acid change in the encoded protein sequence. Algorithms developed to predict the effect of missense changes on protein structure and function are either unavailable or do not agree on the potential impact of this missense change. The variant allele was found at a frequency of 0.0041 in 251474 control chromosomes in the gnomAD database, including 9 homozygotes. The observed variant frequency exceeds the estimated maximal expected allele frequency for disease-causing variants in NLRP1. c.1599G>T has been observed in individual(s) affected with Dyskeratosis (Vatansever_2025). These report(s) do not provide unequivocal conclusions about association of the variant with Autoinflammation With Arthritis And Dyskeratosis-AR. To our knowledge, no experimental evidence demonstrating an impact on protein function has been reported. The following publication has been ascertained in the context of this evaluation (PMID: 40616725). ClinVar contains an entry for this variant (Variation ID: 624089). Based on the evidence outlined above, the variant was classified as likely benign.

Genomic Medicine Center of Excellence, King Faisal Specialist Hospital and Research Centre
Classification: Likely benign. Last evaluated: 2025-08-18. Review status: criteria provided, single submitter. Criteria: ACMG Guidelines, 2015. Collection method: clinical testing. Allele origin: germline.

Mayo Clinic Laboratories, Mayo Clinic
Classification: Likely benign. Last evaluated: 2025-02-24. Review status: criteria provided, single submitter. Criteria: ACMG Guidelines, 2015. Collection method: clinical testing. Allele origin: germline. Observed: 7 variant alleles.
Comment: BS1, BS2

Blueprint Genetics
Classification: Likely benign. Last evaluated: 2024-11-26. Review status: criteria provided, single submitter. Criteria: ACMG Guidelines, 2015. Collection method: clinical testing. Allele origin: germline.

Breakthrough Genomics
Classification: Likely benign. Review status: criteria provided, single submitter. Criteria: ACMG Guidelines, 2015. Collection method: not provided. Allele origin: germline. Inheritance: Autosomal recessive inheritance. Affected: yes.

PreventionGenetics, part of Exact Sciences
Classification: Benign for NLRP1-related condition. Last evaluated: 2019-08-20. Review status: no assertion criteria provided. Collection method: clinical testing. Allele origin: germline. Not counted in ClinVar's aggregate classification.
Comment: This variant is classified as benign based on ACMG/AMP sequence variant interpretation guidelines (Richards et al. 2015 PMID: 25741868, with internal and published modifications).

Clinical Genetics DNA and cytogenetics Diagnostics Lab, Erasmus MC, Erasmus Medical Center
Classification: Likely benign. Review status: no assertion criteria provided. Collection method: clinical testing. Allele origin: germline. Affected: yes. Study: VKGL Data-share Consensus. Not counted in ClinVar's aggregate classification.

Diagnostic Laboratory, Department of Genetics, University Medical Center Groningen
Classification: Likely benign. Review status: no assertion criteria provided. Collection method: clinical testing. Allele origin: germline. Affected: yes. Study: VKGL Data-share Consensus. Not counted in ClinVar's aggregate classification.

Literature cited by the submitters: PubMed 40616725 (cited by Women's Health and Genetics/Laboratory Corporation of America, LabCorp); PubMed 32707200 (cited by Mayo Clinic Laboratories, Mayo Clinic).